The following is an entry in ClinVar:

ClinVar aggregate classification (germline): Uncertain significance (1 of 4 stars; one submission).

Allele frequency attached by ClinVar (database versions not stated): gnomAD 0.00001; gnomAD exomes 0.00001; TOPMed 0.00001; ESP Exome Variant Server 0.00008.
gnomAD v4.1: 17 of 1,609,186 alleles (0.0011%); highest among the groups gnomAD compares: African/African-American, 0.0027%; no homozygotes.

Submission:

Labcorp Genetics (formerly Invitae), Labcorp
Classification: Uncertain significance. Last evaluated: 2025-06-12. Review status: criteria provided, single submitter. Criteria: Invitae Variant Classification Sherloc (09022015). Collection method: clinical testing. Allele origin: germline.
Comment: This sequence change replaces arginine, which is basic and polar, with histidine, which is basic and polar, at codon 373 of the PROM1 protein (p.Arg373His). This variant is present in population databases (rs375364598, gnomAD 0.007%). This variant has not been reported in the literature in individuals affected with PROM1-related conditions. ClinVar contains an entry for this variant (Variation ID: 1901985). Invitae Evidence Modeling of protein sequence and biophysical properties (such as structural, functional, and spatial information, amino acid conservation, physicochemical variation, residue mobility, and thermodynamic stability) indicates that this missense variant is not expected to disrupt PROM1 protein function with a negative predictive value of 80%. This variant disrupts the p.Arg373 amino acid residue in PROM1. Other variant(s) that disrupt this residue have been determined to be pathogenic (PMID: 18654668, 20393116, 22183351, 28559085, 29847639). This suggests that this residue is clinically significant, and that variants that disrupt this residue are likely to be disease-causing. In summary, the available evidence is currently insufficient to determine the role of this variant in disease. Therefore, it has been classified as a Variant of Uncertain Significance.

Literature cited by the submitters: PubMed 18654668; PubMed 20393116; PubMed 22183351; PubMed 28559085; PubMed 29847639.

NM_006017.3(PROM1):c.1118G>A (p.Arg373His)

Gene: PROM1 (prominin 1; minus strand). Cytogenetic location: 4p15.32.
Variant type: single nucleotide variant.
Coding change: c.1118G>A on transcript NM_006017.3 (MANE Select); coding-DNA position 1118, G replaced by A.
Protein change: p.Arg373His; replaces arginine 373 with histidine.
Molecular consequence: missense variant.
Genome position (GRCh38, 1-based): chr4:16,013,298, C>T on the plus strand (G>A on the coding strand, the complement: PROM1 is on the minus strand). VCF-style: chr4-16013298-C-T. GRCh37 (hg19) VCF-style: chr4-16014921-C-T.
Other names: c.1091G>A, p.Arg364His (NM_001145847.2, NM_001145848.2, NM_001145851.2 and 4 more transcripts); c.1118G>A, p.Arg373His (NM_001145849.2, NM_001145850.2); short protein forms R364H, R373H.
Identifiers: ClinVar variation 1901985 (VCV001901985.5), dbSNP rs375364598, ClinGen allele CA92600571.
Genomic context (GRCh38, chr4:16,013,298, plus strand): 5'-TACCAATCACAAAATCACCTCAAACTGTGAATCTCACCTGCTACGACAGTCGTGGTTTGG[C>T]GTTGTACTCTGTCAGGTATATCATTAAGGGATTGATAGCCCTGAAAAATATTTCAAAATA-3'
Protein context (NP_006008.1, residues 363-383): SLNDIPDRVQ[Arg373His]QTTTVVAGIK